The following is an entry in ClinVar:

ClinVar aggregate classification (germline): Benign/Likely benign. Review status: criteria provided, multiple submitters, no conflicts (2 of 4 stars). 4 submissions from 4 submitters: Benign (1); Likely benign (3). Last evaluated 2025-10-13.

Conditions:
Hereditary cancer-predisposing syndrome. Also called: Neoplastic Syndromes, Hereditary; Hereditary Cancer Syndrome; Tumor predisposition; Hereditary neoplastic syndrome. Identifiers: Orphanet 140162, MedGen C0027672, MeSH D009386, MONDO:0015356.
Ataxia-telangiectasia syndrome (AT). Also called: LOUIS-BAR SYNDROME; Cerebello-oculocutaneous telangiectasia; Immunodeficiency with ataxia telangiectasia; Ataxia-telangiectasia, complementation group D; AT, COMPLEMENTATION GROUP C; Ataxia-telangiectasia, complementation group E. Identifiers: Orphanet 100, MedGen C0004135, MONDO:0008840, OMIM 208900.
Familial cancer of breast. Also called: Hereditary breast cancer; BREAST CANCER, FAMILIAL; hereditary breast carcinoma. Identifiers: Orphanet 227535, MedGen C0346153, MONDO:0016419, OMIM 114480. Disease mechanism: loss of function.

Allele frequency attached by ClinVar (database versions not stated): TOPMed 0.00001; gnomAD exomes 0.00001.
gnomAD v4.1: 12 of 1,614,220 alleles (0.00074%); highest among the groups gnomAD compares: Non-Finnish European, 0.001%; no homozygotes.

Submissions (4):

Labcorp Genetics (formerly Invitae), Labcorp
Classification: Likely benign for Ataxia-telangiectasia syndrome. Last evaluated: 2025-10-13. Review status: criteria provided, single submitter. Criteria: Invitae Variant Classification Sherloc (09022015). Collection method: clinical testing. Allele origin: germline.

Myriad Genetics, Inc.
Classification: Benign for Familial cancer of breast. Last evaluated: 2024-06-24. Review status: criteria provided, single submitter. Criteria: Myriad Autosomal Dominant, Autosomal Recessive and X-Linked Classification Criteria (2023). Collection method: clinical testing. Allele origin: unknown.
Comment: This variant is considered benign. This variant is a silent/synonymous amino acid change and it is not expected to impact splicing.

Color Diagnostics, LLC DBA Color Health
Classification: Likely benign for Hereditary cancer-predisposing syndrome. Last evaluated: 2021-05-03. Review status: criteria provided, single submitter. Criteria: ACMG Guidelines, 2015. Collection method: clinical testing. Allele origin: germline.

Ambry Genetics
Classification: Likely benign for Hereditary cancer-predisposing syndrome. Last evaluated: 2016-09-22. Review status: criteria provided, single submitter. Criteria: Ambry Variant Classification Scheme 2023. Collection method: clinical testing. Allele origin: germline.

NM_000051.4(ATM):c.8979A>G (p.Arg2993=)

Genes: ATM (ATM serine/threonine kinase; plus strand), C11orf65 (chromosome 11 open reading frame 65; minus strand). Cytogenetic location: 11q22.3.
Variant type: single nucleotide variant.
Coding change: c.8979A>G on transcript NM_000051.4 (MANE Select); coding-DNA position 8979, A replaced by G.
Protein change: p.Arg2993=; no amino-acid change (arginine 2993 retained).
Molecular consequence: synonymous variant. On other transcripts: intron variant (2).
Genome position (GRCh38, 1-based): chr11:108,365,210, A>G. VCF-style: chr11-108365210-A-G. GRCh37 (hg19) VCF-style: chr11-108235937-A-G.
Other names: c.8979A>G, p.Arg2993= (NM_001351834.2); c.640+20710T>C (NM_001330368.2); c.694+20710T>C (NM_001351110.2).
Identifiers: ClinVar variation 453756 (VCV000453756.18), dbSNP rs1042288533, ClinGen allele CA228383727.